The following is an entry in ClinVar:

NM_182914.3(SYNE2):c.17737G>A (p.Glu5913Lys)

Gene: SYNE2 (spectrin repeat containing nuclear envelope protein 2; plus strand). Cytogenetic location: 14q23.2.
Variant type: single nucleotide variant.
Coding change: c.17737G>A on transcript NM_182914.3 (MANE Select); coding-DNA position 17737, G replaced by A.
Protein change: p.Glu5913Lys; replaces glutamic acid 5913 with lysine.
Molecular consequence: missense variant.
Genome position (GRCh38, 1-based): chr14:64,188,574, G>A. VCF-style: chr14-64188574-G-A. GRCh37 (hg19) VCF-style: chr14-64655292-G-A.
Other names: c.17737G>A, p.Glu5913Lys (NM_015180.6); short protein forms E5913K.
Identifiers: ClinVar variation 3694900 (VCV003694900.2).
Genomic context (GRCh38, chr14:64,188,574, plus strand): 5'-GCTATACTCAGCTGCCAAATGTATTTTCATTTGCAGGTGGCCATACGTAAACAGGAGATT[G>A]AAGACAGACTCAATACATGGGTTGTATTCAATGAAAAAAATAAAGAGTTGTGTGCCTGGC-3'
Protein context (NP_878918.2, residues 5903-5923): LRVAIRKQEI[Glu5913Lys]DRLNTWVVFN

ClinVar aggregate classification (germline): Uncertain significance (1 of 4 stars; one submission).

Conditions:
Emery-Dreifuss muscular dystrophy 5, autosomal dominant (EDMD5). Also called: EMERY-DREIFUSS MUSCULAR DYSTROPHY 5. Identifiers: Orphanet 261, MedGen C2751805, MONDO:0013072, OMIM 612999.

Submission:

Labcorp Genetics (formerly Invitae), Labcorp
Classification: Uncertain significance for Emery-Dreifuss muscular dystrophy 5, autosomal dominant. Last evaluated: 2024-09-14. Review status: criteria provided, single submitter. Criteria: Invitae Variant Classification Sherloc (09022015). Collection method: clinical testing. Allele origin: germline.
Comment: This sequence change replaces glutamic acid, which is acidic and polar, with lysine, which is basic and polar, at codon 5913 of the SYNE2 protein (p.Glu5913Lys). This variant is not present in population databases (gnomAD no frequency). This variant has not been reported in the literature in individuals affected with SYNE2-related conditions. An algorithm developed to predict the effect of missense changes on protein structure and function (PolyPhen-2) suggests that this variant is likely to be disruptive. In summary, the available evidence is currently insufficient to determine the role of this variant in disease. Therefore, it has been classified as a Variant of Uncertain Significance.